The following is an entry in ClinVar:

NM_015650.4(TRAF3IP1):c.89C>T (p.Pro30Leu)

Gene: TRAF3IP1 (TRAF3 interacting protein 1; plus strand). Cytogenetic location: 2q37.3.
Variant type: single nucleotide variant.
Coding change: c.89C>T on transcript NM_015650.4 (MANE Select); coding-DNA position 89, C replaced by T.
Protein change: p.Pro30Leu; replaces proline 30 with leucine.
Molecular consequence: missense variant.
Genome position (GRCh38, 1-based): chr2:238,320,751, C>T. VCF-style: chr2-238320751-C-T. GRCh37 (hg19) VCF-style: chr2-239229392-C-T.
Other names: c.89C>T, p.Pro30Leu (NM_001139490.1); short protein forms P30L.
Identifiers: ClinVar variation 2067768 (VCV002067768.1), dbSNP rs752772495, ClinGen allele CA2197938.

ClinVar aggregate classification (germline): Uncertain significance (1 of 4 stars; one submission).

Allele frequency attached by ClinVar (database versions not stated): ExAC 0.00013.
gnomAD v4.1: 28 of 1,440,638 alleles (0.0019%); highest among the groups gnomAD compares: Middle Eastern, 0.073%; no homozygotes.

Submission:

Labcorp Genetics (formerly Invitae), Labcorp
Classification: Uncertain significance. Last evaluated: 2022-01-11. Review status: criteria provided, single submitter. Criteria: Invitae Variant Classification Sherloc (09022015). Collection method: clinical testing. Allele origin: germline.
Comment: This sequence change replaces proline, which is neutral and non-polar, with leucine, which is neutral and non-polar, at codon 30 of the TRAF3IP1 protein (p.Pro30Leu). This variant is present in population databases (rs752772495, gnomAD 0.009%). This variant has not been reported in the literature in individuals affected with TRAF3IP1-related conditions. Algorithms developed to predict the effect of missense changes on protein structure and function (SIFT, PolyPhen-2, Align-GVGD) all suggest that this variant is likely to be disruptive. In summary, the available evidence is currently insufficient to determine the role of this variant in disease. Therefore, it has been classified as a Variant of Uncertain Significance.